The following is an entry in ClinVar:

NM_001754.5(RUNX1):c.1367A>G (p.Glu456Gly)

Gene: RUNX1 (RUNX family transcription factor 1; minus strand). Cytogenetic location: 21q22.12.
Variant type: single nucleotide variant.
Coding change: c.1367A>G on transcript NM_001754.5 (MANE Select); coding-DNA position 1367, A replaced by G.
Protein change: p.Glu456Gly; replaces glutamic acid 456 with glycine.
Molecular consequence: missense variant.
Genome position (GRCh38, 1-based): chr21:34,792,211, T>C on the plus strand (A>G on the coding strand, the complement: RUNX1 is on the minus strand). VCF-style: chr21-34792211-T-C. GRCh37 (hg19) VCF-style: chr21-36164508-T-C.
Other names: c.1286A>G, p.Glu429Gly (NM_001001890.3); short protein forms E456G, E429G.
Identifiers: ClinVar variation 5028565 (VCV005028565.1).

ClinVar aggregate classification (germline): Uncertain significance (1 of 4 stars; one submission).

Conditions:
Inborn genetic diseases. Identifiers: MedGen C0950123, MeSH D030342.

Submission:

Ambry Genetics
Classification: Uncertain significance for Inborn genetic diseases. Last evaluated: 2026-07-02. Review status: criteria provided, single submitter. Criteria: Ambry Variant Classification Scheme 2023. Collection method: clinical testing. Allele origin: germline.
Comment: The p.E456G variant (also known as c.1367A>G), located in coding exon 8 of the RUNX1 gene, results from an A to G substitution at nucleotide position 1367. The glutamic acid at codon 456 is replaced by glycine, an amino acid with similar properties. This amino acid position is conserved. In addition, this alteration is predicted to be tolerated by in silico analysis. Based on the available evidence, the clinical significance of this variant remains unclear.